The following is an entry in ClinVar:

NM_004304.5(ALK):c.497T>C (p.Leu166Pro)

Gene: ALK (ALK receptor tyrosine kinase; minus strand). Cytogenetic location: 2p23.1.
Variant type: single nucleotide variant.
Coding change: c.497T>C on transcript NM_004304.5 (MANE Select); coding-DNA position 497, T replaced by C.
Protein change: p.Leu166Pro; replaces leucine 166 with proline.
Molecular consequence: missense variant.
Genome position (GRCh38, 1-based): chr2:29,920,163, A>G on the plus strand (T>C on the coding strand, the complement: ALK is on the minus strand). VCF-style: chr2-29920163-A-G. GRCh37 (hg19) VCF-style: chr2-30143029-A-G.
Other names: short protein forms L166P.
Identifiers: ClinVar variation 3524242 (VCV003524242.1).

ClinVar aggregate classification (germline): Uncertain significance (1 of 4 stars; one submission).

Conditions:
Hereditary cancer-predisposing syndrome. Also called: Hereditary Cancer Syndrome; Hereditary neoplastic syndrome; Tumor predisposition; Neoplastic Syndromes, Hereditary. Identifiers: Orphanet 140162, MedGen C0027672, MeSH D009386, MONDO:0015356.

Submission:

Ambry Genetics
Classification: Uncertain significance for Hereditary cancer-predisposing syndrome. Last evaluated: 2024-07-30. Review status: criteria provided, single submitter. Criteria: Ambry Variant Classification Scheme 2023. Collection method: clinical testing. Allele origin: germline.
Comment: The p.L166P variant (also known as c.497T>C), located in coding exon 1 of the ALK gene, results from a T to C substitution at nucleotide position 497. The leucine at codon 166 is replaced by proline, an amino acid with similar properties. This amino acid position is conserved. In addition, this alteration is predicted to be deleterious by in silico analysis. Based on the available evidence, the clinical significance of this variant remains unclear.